The following is an entry in ClinVar:

NM_206933.4(USH2A):c.8725G>A (p.Gly2909Ser)

Gene: USH2A (usherin; minus strand). Cytogenetic location: 1q41.
Variant type: single nucleotide variant.
Coding change: c.8725G>A on transcript NM_206933.4 (MANE Select); coding-DNA position 8725, G replaced by A.
Protein change: p.Gly2909Ser; replaces glycine 2909 with serine.
Molecular consequence: missense variant.
Genome position (GRCh38, 1-based): chr1:215,867,127, C>T on the plus strand (G>A on the coding strand, the complement: USH2A is on the minus strand). VCF-style: chr1-215867127-C-T. GRCh37 (hg19) VCF-style: chr1-216040469-C-T.
Other names: c.8725G>A (NM_206933.2); short protein forms G2909S.
Identifiers: ClinVar variation 1424918 (VCV001424918.4), dbSNP rs758347918, ClinGen allele CA1394525.
Genomic context (GRCh38, chr1:215,867,127, plus strand): 5'-CTCCTCTCTCTGGAAGACCAGCTAACGTTGTCACAGTCACTTCTCGGCTCGGTGTAAAAC[C>T]CACACTGTTGTGTACGAAGAGCATATATTCATAGGTTGTAAACCTAAAATGTTGTTTTGT-3'
Protein context (NP_996816.3, residues 2899-2919): EYMLFVHNSV[Gly2909Ser]FTPSREVTVT

ClinVar aggregate classification (germline): Uncertain significance. Review status: criteria provided, single submitter (1 of 4 stars). 2 submissions from 2 submitters: Uncertain significance (1). 1 of the submissions does not count toward it. Last evaluated 2022-06-13.

Conditions:
Usher syndrome type 2A. Also called: RETINAL DISEASE IN USHER SYNDROME TYPE IIA, MODIFIER OF; USHER SYNDROME, TYPE IIA. Identifiers: Orphanet 231178, Orphanet 886, MedGen C1848634, MONDO:0010169, OMIM 276901.

Allele frequency attached by ClinVar (database versions not stated): gnomAD exomes below 0.00001; ExAC 0.00001; gnomAD 0.00001; TOPMed 0.00001.
gnomAD v4.1: 2 of 1,613,952 alleles (0.00012%); highest among the groups gnomAD compares: African/African-American, 0.0027%; no homozygotes.

Submissions (2):

Labcorp Genetics (formerly Invitae), Labcorp
Classification: Uncertain significance. Last evaluated: 2022-06-13. Review status: criteria provided, single submitter. Criteria: Invitae Variant Classification Sherloc (09022015). Collection method: clinical testing. Allele origin: germline.
Comment: This sequence change replaces glycine, which is neutral and non-polar, with serine, which is neutral and polar, at codon 2909 of the USH2A protein (p.Gly2909Ser). This variant is present in population databases (rs758347918, gnomAD 0.007%). This missense change has been observed in individual(s) with retinitis pigmentosa (PMID: 30902645). Algorithms developed to predict the effect of missense changes on protein structure and function (SIFT, PolyPhen-2, Align-GVGD) all suggest that this variant is likely to be disruptive. Algorithms developed to predict the effect of sequence changes on RNA splicing suggest that this variant may create or strengthen a splice site. In summary, the available evidence is currently insufficient to determine the role of this variant in disease. Therefore, it has been classified as a Variant of Uncertain Significance.

Natera, Inc.
Classification: Uncertain significance for Usher syndrome type 2A. Last evaluated: 2025-03-11. Review status: no assertion criteria provided. Collection method: clinical testing. Allele origin: germline. Not counted in ClinVar's aggregate classification.

Literature cited by the submitters: PubMed 30902645 (cited by Labcorp Genetics (formerly Invitae), Labcorp).